The following is an entry in ClinVar:

NM_020911.2(PLXNA4):c.2032C>T (p.Arg678Trp)

Gene: PLXNA4 (plexin A4; minus strand). Cytogenetic location: 7q32.3.
Variant type: single nucleotide variant.
Coding change: c.2032C>T on transcript NM_020911.2 (MANE Select); coding-DNA position 2032, C replaced by T.
Protein change: p.Arg678Trp; replaces arginine 678 with tryptophan.
Molecular consequence: missense variant.
Genome position (GRCh38, 1-based): chr7:132,223,592, G>A on the plus strand (C>T on the coding strand, the complement: PLXNA4 is on the minus strand). VCF-style: chr7-132223592-G-A. GRCh37 (hg19) VCF-style: chr7-131908351-G-A.
Other names: c.2032C>T, p.Arg678Trp (NM_001393897.1); short protein forms R678W.
Identifiers: ClinVar variation 3353743 (VCV003353743.1).

ClinVar aggregate classification (germline): Uncertain significance (0 of 4 stars; one submission).

Conditions:
PLXNA4-related disorder. Also called: PLXNA4-related condition.

gnomAD v4.1: 17 of 1,613,814 alleles (0.0011%); highest among the groups gnomAD compares: Non-Finnish European, 0.0014%; no homozygotes.

Submission:

PreventionGenetics, part of Exact Sciences
Classification: Uncertain significance for PLXNA4-related condition. Last evaluated: 2024-09-24. Review status: no assertion criteria provided. Collection method: clinical testing. Allele origin: germline.
Comment: The PLXNA4 c.2032C>T variant is predicted to result in the amino acid substitution p.Arg678Trp. To our knowledge, this variant has not been reported in the literature. This variant is reported in 0.00089% of alleles in individuals of European (Non-Finnish) descent in gnomAD At this time, the clinical significance of this variant is uncertain due to the absence of conclusive functional and genetic evidence.